The following is an entry in ClinVar:

ClinVar aggregate classification (germline): Uncertain significance. Review status: criteria provided, multiple submitters, no conflicts (2 of 4 stars). 2 submissions from 2 submitters: Uncertain significance (2). Last evaluated 2025-11-11.

Conditions:
Hereditary cancer-predisposing syndrome. Also called: Tumor predisposition; Hereditary neoplastic syndrome; Hereditary Cancer Syndrome; Neoplastic Syndromes, Hereditary. Identifiers: Orphanet 140162, MedGen C0027672, MeSH D009386, MONDO:0015356.
Multiple endocrine neoplasia, type 2 (MEN2). Identifiers: Orphanet 653, MedGen C4048306, MONDO:0019003. Disease mechanism: gain of function.

Allele frequency attached by ClinVar (database versions not stated): gnomAD exomes below 0.00001.

Submissions (2):

Labcorp Genetics (formerly Invitae), Labcorp
Classification: Uncertain significance for Multiple endocrine neoplasia, type 2. Last evaluated: 2025-11-11. Review status: criteria provided, single submitter. Criteria: Invitae Variant Classification Sherloc (09022015). Collection method: clinical testing. Allele origin: germline.
Comment: This sequence change replaces valine, which is neutral and non-polar, with alanine, which is neutral and non-polar, at codon 504 of the RET protein (p.Val504Ala). This variant is not present in population databases (gnomAD no frequency). This variant has not been reported in the literature in individuals affected with RET-related conditions. ClinVar contains an entry for this variant (Variation ID: 964909). An algorithm developed to predict the effect of missense changes on protein structure and function (PolyPhen-2) suggests that this variant is likely to be tolerated. In summary, the available evidence is currently insufficient to determine the role of this variant in disease. Therefore, it has been classified as a Variant of Uncertain Significance.

Ambry Genetics
Classification: Uncertain significance for Hereditary cancer-predisposing syndrome. Last evaluated: 2024-02-20. Review status: criteria provided, single submitter. Criteria: Ambry Variant Classification Scheme 2023. Collection method: clinical testing. Allele origin: germline.
Comment: The p.V504A variant (also known as c.1511T>C), located in coding exon 7 of the RET gene, results from a T to C substitution at nucleotide position 1511. The valine at codon 504 is replaced by alanine, an amino acid with similar properties. This amino acid position is not well conserved in available vertebrate species. In addition, this alteration is predicted to be tolerated by in silico analysis. Since supporting evidence is limited at this time, the clinical significance of this alteration remains unclear.

NM_020975.6(RET):c.1511T>C (p.Val504Ala)

Gene: RET (ret proto-oncogene; plus strand). Cytogenetic location: 10q11.21.
Variant type: single nucleotide variant.
Coding change: c.1511T>C on transcript NM_020975.6 (MANE Select); coding-DNA position 1511, T replaced by C.
Protein change: p.Val504Ala; replaces valine 504 with alanine.
Molecular consequence: missense variant.
Genome position (GRCh38, 1-based): chr10:43,111,454, T>C. VCF-style: chr10-43111454-T-C. GRCh37 (hg19) VCF-style: chr10-43606902-T-C.
Other names: c.1511T>C, p.Val504Ala (NM_000323.2, NM_001406743.1, NM_001406744.1 and 6 more transcripts); c.749T>C, p.Val250Ala (NM_001355216.2); c.1382T>C, p.Val461Ala (NM_001406761.1, NM_001406762.1, NM_001406764.1 and 1 more transcripts); c.1223T>C, p.Val408Ala (NM_001406766.1, NM_001406767.1, NM_001406770.1); c.1115T>C, p.Val372Ala (NM_001406769.1, NM_001406772.1); c.1073T>C, p.Val358Ala (NM_001406771.1, NM_001406773.1); c.986T>C, p.Val329Ala (NM_001406774.1); c.785T>C, p.Val262Ala (NM_001406775.1, NM_001406776.1, NM_001406777.1 and 1 more transcripts); and 1 more; short protein forms V250A, V504A, V174A, V358A, V372A, V461A, V262A, V408A.
Identifiers: ClinVar variation 964909 (VCV000964909.13), dbSNP rs1837925624, ClinGen allele CA376550014.
Genomic context (GRCh38, chr10:43,111,454, plus strand): 5'-TGGTGGTGGCCACCGACCAGCAGACCTCTAGGCAGGCCCAGGCCCAGCTGCTTGTAACAG[T>C]GGAGGGGTCATGTGAGTGCCTGCTCCAGGGAGGGAGGGTCGGGGTCCTGGGGGCTTCTGG-3'
Protein context (NP_066124.1, residues 494-514): RQAQAQLLVT[Val504Ala]EGSYVAEEAG